The following is an entry in ClinVar:

NM_001080449.3(DNA2):c.1757T>G (p.Phe586Cys)

Gene: DNA2 (DNA replication helicase/nuclease 2; minus strand). Cytogenetic location: 10q21.3.
Variant type: single nucleotide variant.
Coding change: c.1757T>G on transcript NM_001080449.3 (MANE Select); coding-DNA position 1757, T replaced by G.
Protein change: p.Phe586Cys; replaces phenylalanine 586 with cysteine.
Molecular consequence: missense variant. On other transcripts: non-coding transcript variant (1).
Genome position (GRCh38, 1-based): chr10:68,432,400, A>C on the plus strand (T>G on the coding strand, the complement: DNA2 is on the minus strand). VCF-style: chr10-68432400-A-C. GRCh37 (hg19) VCF-style: chr10-70192157-A-C.
Other names: c.1757T>G (NM_001080449.2); short protein forms F586C.
Identifiers: ClinVar variation 2977462 (VCV002977462.4), dbSNP rs1434889698, ClinGen allele CA376857481.

ClinVar aggregate classification (germline): Uncertain significance. Review status: criteria provided, multiple submitters, no conflicts (2 of 4 stars). 2 submissions from 2 submitters: Uncertain significance (2). Last evaluated 2024-10-07.

Conditions:
Inborn genetic diseases. Identifiers: MedGen C0950123, MeSH D030342.

Allele frequency attached by ClinVar (database versions not stated): gnomAD exomes below 0.00001.
gnomAD v4.1: 2 of 1,592,248 alleles (0.00013%); highest among the groups gnomAD compares: Admixed American, 0.0017%; no homozygotes.

Submissions (2):

Ambry Genetics
Classification: Uncertain significance for Inborn genetic diseases. Last evaluated: 2024-10-07. Review status: criteria provided, single submitter. Criteria: Ambry Variant Classification Scheme 2023. Collection method: clinical testing. Allele origin: germline.

Labcorp Genetics (formerly Invitae), Labcorp
Classification: Uncertain significance. Last evaluated: 2024-10-06. Review status: criteria provided, single submitter. Criteria: Invitae Variant Classification Sherloc (09022015). Collection method: clinical testing. Allele origin: germline.
Comment: This sequence change replaces phenylalanine, which is neutral and non-polar, with cysteine, which is neutral and slightly polar, at codon 586 of the DNA2 protein (p.Phe586Cys). This variant is not present in population databases (gnomAD no frequency). This variant has not been reported in the literature in individuals affected with DNA2-related conditions. Invitae Evidence Modeling of protein sequence and biophysical properties (such as structural, functional, and spatial information, amino acid conservation, physicochemical variation, residue mobility, and thermodynamic stability) indicates that this missense variant is not expected to disrupt DNA2 protein function with a negative predictive value of 80%. In summary, the available evidence is currently insufficient to determine the role of this variant in disease. Therefore, it has been classified as a Variant of Uncertain Significance.